The following is an entry in ClinVar:

NM_000135.4(FANCA):c.1234G>C (p.Ala412Pro)

Gene: FANCA (FA complementation group A; minus strand). Cytogenetic location: 16q24.3.
Variant type: single nucleotide variant.
Coding change: c.1234G>C on transcript NM_000135.4 (MANE Select); coding-DNA position 1234, G replaced by C.
Protein change: p.Ala412Pro; replaces alanine 412 with proline.
Molecular consequence: missense variant.
Genome position (GRCh38, 1-based): chr16:89,791,528, C>G on the plus strand (G>C on the coding strand, the complement: FANCA is on the minus strand). VCF-style: chr16-89791528-C-G. GRCh37 (hg19) VCF-style: chr16-89857936-C-G.
Other names: c.1234G>C, p.Ala412Pro (NM_001286167.3); short protein forms A412P.
Identifiers: ClinVar variation 4022244 (VCV004022244.1).

ClinVar aggregate classification (germline): Uncertain significance (1 of 4 stars; one submission).

Conditions:
Inborn genetic diseases. Identifiers: MedGen C0950123, MeSH D030342.

Submission:

Ambry Genetics
Classification: Uncertain significance for Inborn genetic diseases. Last evaluated: 2025-05-05. Review status: criteria provided, single submitter. Criteria: Ambry Variant Classification Scheme 2023. Collection method: clinical testing. Allele origin: germline.
Comment: The p.A412P variant (also known as c.1234G>C), located in coding exon 14 of the FANCA gene, results from a G to C substitution at nucleotide position 1234. The alanine at codon 412 is replaced by proline, an amino acid with highly similar properties. This amino acid position is conserved. In addition, the in silico prediction for this alteration is inconclusive. Based on the available evidence, the clinical significance of this variant remains unclear.